The following is an entry in ClinVar:

NM_001365480.1(CCDC88A):c.1318A>G (p.Ser440Gly)

Gene: CCDC88A (coiled-coil and HOOK domain protein 88A; minus strand). Cytogenetic location: 2p16.1.
Variant type: single nucleotide variant.
Coding change: c.1318A>G on transcript NM_001365480.1 (MANE Select); coding-DNA position 1318, A replaced by G.
Protein change: p.Ser440Gly; replaces serine 440 with glycine.
Molecular consequence: missense variant.
Genome position (GRCh38, 1-based): chr2:55,343,663, T>C on the plus strand (A>G on the coding strand, the complement: CCDC88A is on the minus strand). VCF-style: chr2-55343663-T-C. GRCh37 (hg19) VCF-style: chr2-55570799-T-C.
Other names: c.1318A>G, p.Ser440Gly (NM_001135597.2, NM_001254943.2, NM_018084.5); c.1318A>G (NM_001135597.1); short protein forms S440G.
Identifiers: ClinVar variation 1519148 (VCV001519148.7), dbSNP rs748600311, ClinGen allele CA1666183.
Genomic context (GRCh38, chr2:55,343,663, plus strand): 5'-CTTCATGATTCGATTATCTATTTAAATTAAAAAAATTGGGAATACCTTCGGAAAGTTCAC[T>C]AGTTCTGGATATCTGTTCCAGTTCCCAGCCAAGATGTAATGATTCATCCATACTTTGTTT-3'
Protein context (NP_001352409.1, residues 430-450): GWELEQISRT[Ser440Gly]ELSEAPQKSL

ClinVar aggregate classification (germline): Uncertain significance. Review status: criteria provided, multiple submitters, no conflicts (2 of 4 stars). 2 submissions from 2 submitters: Uncertain significance (2). Last evaluated 2021-10-10.

Allele frequency attached by ClinVar (database versions not stated): TOPMed 0.00002; ExAC 0.00004.
gnomAD v4.1: 30 of 1,602,574 alleles (0.0019%); highest among the groups gnomAD compares: Non-Finnish European, 0.0025%; no homozygotes.

Submissions (2):

Labcorp Genetics (formerly Invitae), Labcorp
Classification: Uncertain significance. Last evaluated: 2021-10-10. Review status: criteria provided, single submitter. Criteria: Invitae Variant Classification Sherloc (09022015). Collection method: clinical testing. Allele origin: germline.
Comment: Algorithms developed to predict the effect of missense changes on protein structure and function (SIFT, PolyPhen-2, Align-GVGD) all suggest that this variant is likely to be tolerated. In summary, the available evidence is currently insufficient to determine the role of this variant in disease. Therefore, it has been classified as a Variant of Uncertain Significance. This variant has not been reported in the literature in individuals affected with CCDC88A-related conditions. This variant is present in population databases (rs748600311, ExAC 0.01%). This sequence change replaces serine with glycine at codon 440 of the CCDC88A protein (p.Ser440Gly). The serine residue is moderately conserved and there is a small physicochemical difference between serine and glycine.

Ambry Genetics
Classification: Uncertain significance. Last evaluated: 2021-07-14. Review status: criteria provided, single submitter. Criteria: Ambry Variant Classification Scheme 2023. Collection method: clinical testing. Allele origin: germline.